The following is an entry in ClinVar:

NM_005228.5(EGFR):c.3277A>G (p.Ile1093Val)

Gene: EGFR (epidermal growth factor receptor; plus strand). Cytogenetic location: 7p11.2.
Variant type: single nucleotide variant.
Coding change: c.3277A>G on transcript NM_005228.5 (MANE Select); coding-DNA position 3277, A replaced by G.
Protein change: p.Ile1093Val; replaces isoleucine 1093 with valine.
Molecular consequence: missense variant.
Genome position (GRCh38, 1-based): chr7:55,205,261, A>G. VCF-style: chr7-55205261-A-G. GRCh37 (hg19) VCF-style: chr7-55272954-A-G.
Other names: c.3142A>G, p.Ile1048Val (NM_001346899.2); c.3118A>G, p.Ile1040Val (NM_001346900.2); c.2476A>G, p.Ile826Val (NM_001346941.2); c.3277A>G (NM_005228.4, NM_005228.3); short protein forms I826V, I1093V, I1040V, I1048V.
Identifiers: ClinVar variation 1467313 (VCV001467313.11), dbSNP rs1788062018, ClinGen allele CA367584271.

ClinVar aggregate classification (germline): Uncertain significance. Review status: criteria provided, multiple submitters, no conflicts (2 of 4 stars). 3 submissions from 3 submitters: Uncertain significance (2). 1 of the submissions does not count toward it. Last evaluated 2025-06-07.

Conditions:
EGFR-related disorder. Also called: EGFR-related condition.
EGFR-related lung cancer (EGFR). Identifiers: MedGen CN130014.
Hereditary cancer-predisposing syndrome. Also called: Tumor predisposition; Hereditary Cancer Syndrome; Hereditary neoplastic syndrome; Neoplastic Syndromes, Hereditary. Identifiers: Orphanet 140162, MedGen C0027672, MeSH D009386, MONDO:0015356.

Allele frequency attached by ClinVar (database versions not stated): gnomAD exomes below 0.00001; TOPMed below 0.00001; gnomAD 0.00001.
gnomAD v4.1: 3 of 1,613,652 alleles (0.00019%); highest among the groups gnomAD compares: South Asian, 0.0011%; no homozygotes.

Submissions (3):

Ambry Genetics
Classification: Uncertain significance for Hereditary cancer-predisposing syndrome. Last evaluated: 2025-06-07. Review status: criteria provided, single submitter. Criteria: Ambry Variant Classification Scheme 2023. Collection method: clinical testing. Allele origin: germline.
Comment: The p.I1093V variant (also known as c.3277A>G), located in coding exon 28 of the EGFR gene, results from an A to G substitution at nucleotide position 3277. The isoleucine at codon 1093 is replaced by valine, an amino acid with highly similar properties. This amino acid position is conserved. In addition, this alteration is predicted to be tolerated by in silico analysis. Based on the available evidence, the clinical significance of this variant remains unclear.

Labcorp Genetics (formerly Invitae), Labcorp
Classification: Uncertain significance for EGFR-related lung cancer. Last evaluated: 2021-06-20. Review status: criteria provided, single submitter. Criteria: Invitae Variant Classification Sherloc (09022015). Collection method: clinical testing. Allele origin: germline.
Comment: This sequence change replaces isoleucine with valine at codon 1093 of the EGFR protein (p.Ile1093Val). The isoleucine residue is weakly conserved and there is a small physicochemical difference between isoleucine and valine. This variant is not present in population databases (ExAC no frequency). This variant has not been reported in the literature in individuals with EGFR-related conditions. Algorithms developed to predict the effect of missense changes on protein structure and function output the following: SIFT: "Tolerated"; PolyPhen-2: "Benign"; Align-GVGD: "Class C0". The valine amino acid residue is found in multiple mammalian species, suggesting that this missense change does not adversely affect protein function. These predictions have not been confirmed by published functional studies and their clinical significance is uncertain. In summary, the available evidence is currently insufficient to determine the role of this variant in disease. Therefore, it has been classified as a Variant of Uncertain Significance.

PreventionGenetics, part of Exact Sciences
Classification: Uncertain significance for EGFR-related condition. Last evaluated: 2023-11-07. Review status: no assertion criteria provided. Collection method: clinical testing. Allele origin: germline. Not counted in ClinVar's aggregate classification.
Comment: The EGFR c.3277A>G variant is predicted to result in the amino acid substitution p.Ile1093Val. To our knowledge, this variant has not been reported in the literature or in a large population database, indicating this variant is rare. At this time, the clinical significance of this variant is uncertain due to the absence of conclusive functional and genetic evidence.